The following is an entry in ClinVar:

ClinVar aggregate classification (germline): Uncertain significance. Review status: criteria provided, multiple submitters, no conflicts (2 of 4 stars). 2 submissions from 2 submitters: Uncertain significance (2). Last evaluated 2024-09-13.

Conditions:
Gorlin syndrome. Also called: Nevoid Basal Cell Carcinoma Syndrome; Basal cell nevus syndrome. Identifiers: Orphanet 377, MedGen C0004779, MONDO:0007187.
Medulloblastoma (MDB). Also called: Medulloblastoma, somatic; MEDULLOBLASTOMA PREDISPOSITION SYNDROME. Identifiers: Orphanet 616, MedGen C0025149, MeSH D008527, MONDO:0007959, OMIM 155255, HP:0002885.
Hereditary cancer-predisposing syndrome. Also called: Hereditary Cancer Syndrome; Neoplastic Syndromes, Hereditary; Hereditary neoplastic syndrome; Tumor predisposition. Identifiers: Orphanet 140162, MedGen C0027672, MeSH D009386, MONDO:0015356.

Allele frequency attached by ClinVar (database versions not stated): gnomAD 0.00001; TOPMed 0.00002.
gnomAD v4.1: 2 of 1,613,814 alleles (0.00012%); highest among the groups gnomAD compares: African/African-American, 0.0027%; no homozygotes.

Submissions (2):

Ambry Genetics
Classification: Uncertain significance for Hereditary cancer-predisposing syndrome. Last evaluated: 2024-09-13. Review status: criteria provided, single submitter. Criteria: Ambry Variant Classification Scheme 2023. Collection method: clinical testing. Allele origin: germline.
Comment: The p.G33A variant (also known as c.98G>C), located in coding exon 1 of the SUFU gene, results from a G to C substitution at nucleotide position 98. The glycine at codon 33 is replaced by alanine, an amino acid with similar properties. This amino acid position is highly conserved in available vertebrate species. In addition, this alteration is predicted to be deleterious by in silico analysis. Since supporting evidence is limited at this time, the clinical significance of this alteration remains unclear.

Labcorp Genetics (formerly Invitae), Labcorp
Classification: Uncertain significance for Gorlin syndrome; Medulloblastoma. Last evaluated: 2023-11-10. Review status: criteria provided, single submitter. Criteria: Invitae Variant Classification Sherloc (09022015). Collection method: clinical testing. Allele origin: germline.
Comment: This sequence change replaces glycine, which is neutral and non-polar, with alanine, which is neutral and non-polar, at codon 33 of the SUFU protein (p.Gly33Ala). This variant is not present in population databases (gnomAD no frequency). This variant has not been reported in the literature in individuals affected with SUFU-related conditions. ClinVar contains an entry for this variant (Variation ID: 823547). Advanced modeling of protein sequence and biophysical properties (such as structural, functional, and spatial information, amino acid conservation, physicochemical variation, residue mobility, and thermodynamic stability) performed at Invitae indicates that this missense variant is expected to disrupt SUFU protein function with a positive predictive value of 80%. In summary, the available evidence is currently insufficient to determine the role of this variant in disease. Therefore, it has been classified as a Variant of Uncertain Significance.

NM_016169.4(SUFU):c.98G>C (p.Gly33Ala)

Genes: SUFU (SUFU negative regulator of hedgehog signaling; plus strand), LOC130004614 (ATAC-STARR-seq lymphoblastoid silent region 2764; plus strand). Cytogenetic location: 10q24.32.
Variant type: single nucleotide variant.
Coding change: c.98G>C on transcript NM_016169.4 (MANE Select); coding-DNA position 98, G replaced by C.
Protein change: p.Gly33Ala; replaces glycine 33 with alanine.
Molecular consequence: missense variant.
Genome position (GRCh38, 1-based): chr10:102,504,250, G>C. VCF-style: chr10-102504250-G-C. GRCh37 (hg19) VCF-style: chr10-104264007-G-C.
Other names: c.98G>C, p.Gly33Ala (NM_001178133.2); short protein forms G33A.
Identifiers: ClinVar variation 823547 (VCV000823547.14), dbSNP rs1391787041, ClinGen allele CA377886458.